The following is an entry in ClinVar:

NM_001447.3(FAT2):c.11130G>A (p.Met3710Ile)

Genes: FAT2 (FAT atypical cadherin 2; minus strand), SLC36A1 (solute carrier family 36 member 1; plus strand). Cytogenetic location: 5q33.1.
Variant type: single nucleotide variant.
Coding change: c.11130G>A on transcript NM_001447.3 (MANE Select); coding-DNA position 11130, G replaced by A.
Protein change: p.Met3710Ile; replaces methionine 3710 with isoleucine.
Molecular consequence: missense variant.
Genome position (GRCh38, 1-based): chr5:151,521,463, C>T on the plus strand (G>A on the coding strand, the complement: FAT2 is on the minus strand). VCF-style: chr5-151521463-C-T. GRCh37 (hg19) VCF-style: chr5-150901024-C-T.
Other names: short protein forms M3710I.
Identifiers: ClinVar variation 4692178 (VCV004692178.1).
Genomic context (GRCh38, chr5:151,521,463, plus strand): 5'-TGGCCCCTGGCAGGGCACCATGGGCATAGCTGACCGCATCTGAACCCCCACTGAATGCTC[C>T]ATCTCCTTGGCTGAGTGAGTGATGATGGATGCTAGCTCCTGAAACTCGTAGAAGGTTCCA-3'
Protein context (NP_001438.1, residues 3700-3720): ASIITHSAKE[Met3710Ile]EHSVGVQMRS

ClinVar aggregate classification (germline): Uncertain significance (1 of 4 stars; one submission).

gnomAD v4.1: 47 of 1,614,118 alleles (0.0029%); highest among the groups gnomAD compares: African/African-American, 0.004%; no homozygotes.

Submission:

Labcorp Genetics (formerly Invitae), Labcorp
Classification: Uncertain significance. Last evaluated: 2025-05-30. Review status: criteria provided, single submitter. Criteria: Invitae Variant Classification Sherloc (09022015). Collection method: clinical testing. Allele origin: germline.
Comment: This sequence change replaces methionine, which is neutral and non-polar, with isoleucine, which is neutral and non-polar, at codon 3710 of the FAT2 protein (p.Met3710Ile). This variant is present in population databases (rs367882263, gnomAD 0.002%). This variant has not been reported in the literature in individuals affected with FAT2-related conditions. An algorithm developed to predict the effect of missense changes on protein structure and function outputs the following: PolyPhen-2: "Benign". The isoleucine amino acid residue is found in multiple mammalian species, which suggests that this missense change does not adversely affect protein function. In summary, the available evidence is currently insufficient to determine the role of this variant in disease. Therefore, it has been classified as a Variant of Uncertain Significance.